The following is an entry in ClinVar:

NM_007194.4(CHEK2):c.538C>G (p.Arg180Gly)

Gene: CHEK2 (checkpoint kinase 2; minus strand). Cytogenetic location: 22q12.1.
Variant type: single nucleotide variant.
Coding change: c.538C>G on transcript NM_007194.4 (MANE Select); coding-DNA position 538, C replaced by G.
Protein change: p.Arg180Gly; replaces arginine 180 with glycine.
Molecular consequence: missense variant. On other transcripts: 5 prime UTR variant (2), intron variant (1).
Genome position (GRCh38, 1-based): chr22:28,725,031, G>C on the plus strand (C>G on the coding strand, the complement: CHEK2 is on the minus strand). VCF-style: chr22-28725031-G-C. GRCh37 (hg19) VCF-style: chr22-29121019-G-C.
Other names: c.538C>G (NM_007194.3); c.667C>G, p.Arg223Gly (NM_001005735.3, NM_001438294.1); c.-240C>G (NM_001257387.3); c.-126C>G (NM_001437942.1); c.631C>G, p.Arg211Gly (NM_001438293.1, NM_001438295.1); c.538C>G, p.Arg180Gly (NM_145862.3); c.445-108C>G (NM_001349956.3); short protein forms R180G, R223G, R211G.
Identifiers: ClinVar variation 2814426 (VCV002814426.4), dbSNP rs77130927, ClinGen allele CA411107220.

ClinVar aggregate classification (germline): Uncertain significance. Review status: criteria provided, multiple submitters, no conflicts (2 of 4 stars). 2 submissions from 2 submitters: Uncertain significance (2). Last evaluated 2026-07-06.

Conditions:
Familial cancer of breast. Also called: BREAST CANCER, FAMILIAL; Hereditary breast cancer; hereditary breast carcinoma. Identifiers: Orphanet 227535, MedGen C0346153, MONDO:0016419, OMIM 114480. Disease mechanism: loss of function.
Hereditary cancer-predisposing syndrome. Also called: Hereditary Cancer Syndrome; Hereditary neoplastic syndrome; Neoplastic Syndromes, Hereditary; Tumor predisposition. Identifiers: Orphanet 140162, MedGen C0027672, MeSH D009386, MONDO:0015356.

Submissions (2):

Ambry Genetics
Classification: Uncertain significance for Hereditary cancer-predisposing syndrome. Last evaluated: 2026-07-06. Review status: criteria provided, single submitter. Criteria: Ambry Variant Classification Scheme 2023. Collection method: clinical testing. Allele origin: germline.
Comment: The p.R180G variant (also known as c.538C>G), located in coding exon 3 of the CHEK2 gene, results from a C to G substitution at nucleotide position 538. The arginine at codon 180 is replaced by glycine, an amino acid with dissimilar properties. This amino acid position is well conserved in available vertebrate species. In addition, this alteration is predicted to be deleterious by in silico analysis. Based on the available evidence, the clinical significance of this variant remains unclear.

Labcorp Genetics (formerly Invitae), Labcorp
Classification: Uncertain significance for Familial cancer of breast. Last evaluated: 2022-11-15. Review status: criteria provided, single submitter. Criteria: Invitae Variant Classification Sherloc (09022015). Collection method: clinical testing. Allele origin: germline.
Comment: This variant has not been reported in the literature in individuals affected with CHEK2-related conditions. This variant is not present in population databases (gnomAD no frequency). This sequence change replaces arginine, which is basic and polar, with glycine, which is neutral and non-polar, at codon 180 of the CHEK2 protein (p.Arg180Gly). Algorithms developed to predict the effect of missense changes on protein structure and function (SIFT, PolyPhen-2, Align-GVGD) all suggest that this variant is likely to be disruptive. In summary, the available evidence is currently insufficient to determine the role of this variant in disease. Therefore, it has been classified as a Variant of Uncertain Significance.